The following is an entry in ClinVar:

ClinVar aggregate classification (germline): Uncertain significance (1 of 4 stars; one submission).

Conditions:
Spastic paraplegia. Identifiers: MedGen C0037772, HP:0001258.

gnomAD v4.1: 4 of 1,598,102 alleles (0.00025%); highest among the groups gnomAD compares: Non-Finnish European, 0.00034%; no homozygotes.

Submission:

Labcorp Genetics (formerly Invitae), Labcorp
Classification: Uncertain significance for Spastic paraplegia. Last evaluated: 2021-08-20. Review status: criteria provided, single submitter. Criteria: Invitae Variant Classification Sherloc (09022015). Collection method: clinical testing. Allele origin: germline.
Comment: This sequence change replaces proline with histidine at codon 1103 of the ZFYVE26 protein (p.Pro1103His). The proline residue is moderately conserved and there is a moderate physicochemical difference between proline and histidine. This variant is not present in population databases (ExAC no frequency). This variant has not been reported in the literature in individuals affected with ZFYVE26-related conditions. Algorithms developed to predict the effect of missense changes on protein structure and function are either unavailable or do not agree on the potential impact of this missense change (SIFT: "Deleterious"; PolyPhen-2: "Possibly Damaging"; Align-GVGD: "Class C0"). In summary, the available evidence is currently insufficient to determine the role of this variant in disease. Therefore, it has been classified as a Variant of Uncertain Significance.

NM_015346.4(ZFYVE26):c.3308C>A (p.Pro1103His)

Gene: ZFYVE26 (zinc finger FYVE-type containing 26; minus strand). Cytogenetic location: 14q24.1.
Variant type: single nucleotide variant.
Coding change: c.3308C>A on transcript NM_015346.4 (MANE Select); coding-DNA position 3308, C replaced by A.
Protein change: p.Pro1103His; replaces proline 1103 with histidine.
Molecular consequence: missense variant.
Genome position (GRCh38, 1-based): chr14:67,785,274, G>T on the plus strand (C>A on the coding strand, the complement: ZFYVE26 is on the minus strand). VCF-style: chr14-67785274-G-T. GRCh37 (hg19) VCF-style: chr14-68251991-G-T.
Other names: short protein forms P1103H.
Identifiers: ClinVar variation 1362192 (VCV001362192.5), dbSNP rs3742885, ClinGen allele CA390172525.